The following is an entry in ClinVar:

ClinVar aggregate classification (germline): Pathogenic (1 of 4 stars; one submission).

Conditions:
DYRK1A-related intellectual disability syndrome (MRD7). Also called: Intellectual developmental disorder, autosomal dominant 7; DYRK1A Syndrome. Identifiers: Orphanet 464306, MedGen C5568143, MONDO:0013578, OMIM 614104.

Submission:

Institute of Human Genetics, University of Leipzig Medical Center
Classification: Pathogenic for DYRK1A-related intellectual disability syndrome. Last evaluated: 2023-06-06. Review status: criteria provided, single submitter. Criteria: ACMG Guidelines, 2015. Collection method: clinical testing. Allele origin: de novo. Inheritance: Autosomal dominant inheritance. Affected: yes.
Comment: Criteria applied: PVS1,PM2_SUP,PS2_MOD

NM_001347721.2(DYRK1A):c.1526C>G (p.Ser509Ter)

Gene: DYRK1A (dual specificity tyrosine phosphorylation regulated kinase 1A; plus strand). Cytogenetic location: 21q22.13.
Variant type: single nucleotide variant.
Coding change: c.1526C>G on transcript NM_001347721.2 (MANE Select); coding-DNA position 1526, C replaced by G.
Protein change: p.Ser509Ter; replaces serine 509 with a stop codon.
Molecular consequence: nonsense. On other transcripts: intron variant (1).
Genome position (GRCh38, 1-based): chr21:37,506,105, C>G. VCF-style: chr21-37506105-C-G. GRCh37 (hg19) VCF-style: chr21-38878408-C-G.
Other names: c.1526C>G, p.Ser509Ter (NM_001347722.2, NM_130436.2); c.1439C>G, p.Ser480Ter (NM_001347723.2); c.1553C>G, p.Ser518Ter (NM_001396.5, NM_101395.2); c.1546+516C>G (NM_130438.2); short protein forms S480*, S509*, S518*.
Identifiers: ClinVar variation 2576609 (VCV002576609.3), dbSNP rs2518077085, ClinGen allele CA409938798.